The following is an entry in ClinVar:

ClinVar aggregate classification (germline): Pathogenic/Likely pathogenic. Review status: criteria provided, multiple submitters, no conflicts (2 of 4 stars). 4 submissions from 4 submitters: Pathogenic (2); Likely pathogenic (1). 1 of the submissions does not count toward it. Last evaluated 2023-08-16.

Conditions:
Autosomal recessive inherited pseudoxanthoma elasticum (PXE). Identifiers: Orphanet 758, MedGen CN032334, MONDO:0009925, OMIM 264800.

Allele frequency attached by ClinVar (database versions not stated): gnomAD exomes below 0.00001.
gnomAD v4.1: 2 of 1,613,174 alleles (0.00012%); highest among the groups gnomAD compares: Non-Finnish European, 0.00017%; no homozygotes.

Submissions (4):

Institute of Human Genetics, University of Leipzig Medical Center
Classification: Pathogenic for Autosomal recessive inherited pseudoxanthoma elasticum. Last evaluated: 2023-08-16. Review status: criteria provided, single submitter. Criteria: ACMG Guidelines, 2015. Collection method: clinical testing. Allele origin: unknown. Inheritance: Autosomal recessive inheritance. Affected: yes.
Comment: Criteria applied: PVS1,PM3_STR,PM2_SUP; Identified as compund heterozygous with NM_001171.6:c.2420G>A

Labcorp Genetics (formerly Invitae), Labcorp
Classification: Likely pathogenic. Last evaluated: 2023-03-02. Review status: criteria provided, single submitter. Criteria: Invitae Variant Classification Sherloc (09022015). Collection method: clinical testing. Allele origin: germline.
Comment: In summary, the currently available evidence indicates that the variant is pathogenic, but additional data are needed to prove that conclusively. Therefore, this variant has been classified as Likely Pathogenic. Algorithms developed to predict the effect of sequence changes on RNA splicing suggest that this variant may disrupt the consensus splice site. ClinVar contains an entry for this variant (Variation ID: 433453). Disruption of this splice site has been observed in individual(s) with pseudoxanthoma elasticum (PMID: 28102862, 35261845). This variant is not present in population databases (gnomAD no frequency). This sequence change affects an acceptor splice site in intron 29 of the ABCC6 gene. It is expected to disrupt RNA splicing. Variants that disrupt the donor or acceptor splice site typically lead to a loss of protein function (PMID: 16199547), and loss-of-function variants in ABCC6 are known to be pathogenic (PMID: 11536079, 17617515).

Baylor Genetics
Classification: Pathogenic for Autosomal recessive inherited pseudoxanthoma elasticum. Last evaluated: 2020-04-25. Review status: criteria provided, single submitter. Criteria: ACMG Guidelines, 2015. Collection method: clinical testing. Allele origin: unknown. Affected: yes.
Comment: This variant was determined to be pathogenic according to ACMG Guidelines, 2015 [PMID:25741868].

PXE International
Classification: Likely pathogenic for Autosomal recessive inherited pseudoxanthoma elasticum. Last evaluated: 2021-03-02. Review status: no assertion criteria provided. Collection method: research. Allele origin: germline. Inheritance: Autosomal recessive inheritance. Affected: yes. Observed: 1 variant allele. Not counted in ClinVar's aggregate classification.

Literature cited by the submitters: PubMed 28102862 (cited by Labcorp Genetics (formerly Invitae), Labcorp); PubMed 35261845 (cited by Labcorp Genetics (formerly Invitae), Labcorp); PubMed 16199547 (cited by Labcorp Genetics (formerly Invitae), Labcorp); PubMed 11536079 (cited by Labcorp Genetics (formerly Invitae), Labcorp); PubMed 17617515 (cited by Labcorp Genetics (formerly Invitae), Labcorp).

NM_001171.6(ABCC6):c.4209-2A>C

Gene: ABCC6 (ATP binding cassette subfamily C member 6; minus strand). Cytogenetic location: 16p13.11.
Variant type: single nucleotide variant.
Coding change: c.4209-2A>C on transcript NM_001171.6 (MANE Select); the canonical splice acceptor site of the intron before coding-DNA position 4209, A replaced by C.
Molecular consequence: splice acceptor variant.
Genome position (GRCh38, 1-based): chr16:16,150,774, T>G on the plus strand (A>C on the coding strand, the complement: ABCC6 is on the minus strand). VCF-style: chr16-16150774-T-G. GRCh37 (hg19) VCF-style: chr16-16244631-T-G.
Other names: c.3867-2A>C (NM_001351800.1).
Identifiers: ClinVar variation 433453 (VCV000433453.9), dbSNP rs1555506740, ClinGen allele CA394884115.
Genomic context (GRCh38, chr16:16,150,774, plus strand): 5'-GGATCTGGGTCTTCCGGAGAAGGGCACGTGCCAGACACAGGAGCTGTTTCTGGCCCACGC[T>G]GGGAACGATTGGGACAATTAGCTGGGACGTGCGTTTGTCGGCACATGGTGATGTGTGGGT-3'